The following is an entry in ClinVar:

NM_001270974.2(HYDIN):c.3648del (p.Phe1216fs)

Gene: HYDIN (HYDIN axonemal central pair apparatus protein; minus strand). Cytogenetic location: 16q22.2.
Variant type: Deletion.
Coding change: c.3648del on transcript NM_001270974.2 (MANE Select); coding-DNA position 3648, one base deleted (T; older notation c.3648delT).
Protein change: p.Phe1216fs; shifts the reading frame from phenylalanine 1216.
Molecular consequence: frameshift variant.
Genome position (GRCh38, 1-based): chr16:70,992,207, A deleted on the plus strand (T on the coding strand, the reverse complement: HYDIN is on the minus strand); the first of 3 consecutive A bases (chr16:70,992,207-70,992,209); deleting any one gives the same sequence. VCF-style (leftmost placement, unchanged base first): chr16-70992206-CA-C. GRCh37 (hg19) VCF-style: chr16-71026109-CA-C.
Other names: short protein forms F1216fs.
Identifiers: ClinVar variation 4280003 (VCV004280003.1).
Genomic context (GRCh38, chr16:70,992,206, plus strand): 5'-TTGCTGGGATGGACTCCATCTGGGACACTGGGGCACTGTAGGGCTTCTTCGGCAATGTCA[CA>C]AACCTACCAAAGCATGGGACAGGGAATAGGGGGAGACAGGAGACATCAGTTTTTGCAAAT-3'

ClinVar aggregate classification (germline): Likely pathogenic (1 of 4 stars; one submission).

Conditions:
Primary ciliary dyskinesia 5. Also called: CILIARY DYSKINESIA, PRIMARY, 5, WITHOUT SITUS INVERSUS. Identifiers: Orphanet 244, MedGen C1837615, MONDO:0012088, OMIM 608647.

Submission:

Johns Hopkins Genomics, Johns Hopkins University
Classification: Likely pathogenic for Primary ciliary dyskinesia 5. Last evaluated: 2024-04-26. Review status: criteria provided, single submitter. Criteria: ACMG Guidelines, 2015. Collection method: clinical testing. Allele origin: germline.
Comment: This HYDIN variant is rare (<0.1%) in a large population dataset (gnomAD v4.1.0: 17/1426852 total alleles; 0.001%; no homozygotes). It has not been reported in ClinVar, nor in the literature, to our knowledge. This frameshift variant results in a premature stop codon in exon 24 of 86, likely leading to nonsense-mediated decay and lack of protein production. We consider c.3648del in HYDIN to be likely pathogenic.